The following is an entry in ClinVar:

NM_152443.3(RDH12):c.748C>T (p.Leu250Phe)

Genes: GPHN (gephyrin; plus strand), RDH12 (retinol dehydrogenase 12; plus strand), ZFYVE26 (zinc finger FYVE-type containing 26; minus strand). Cytogenetic location: 14q24.1.
Variant type: single nucleotide variant.
Coding change: c.748C>T on transcript NM_152443.3 (MANE Select); coding-DNA position 748, C replaced by T.
Protein change: p.Leu250Phe; replaces leucine 250 with phenylalanine.
Molecular consequence: missense variant.
Genome position (GRCh38, 1-based): chr14:67,729,280, C>T. VCF-style: chr14-67729280-C-T. GRCh37 (hg19) VCF-style: chr14-68195997-C-T.
Other names: short protein forms L250F.
Identifiers: ClinVar variation 313843 (VCV000313843.10), dbSNP rs777424197, ClinGen allele CA10644578.
Genomic context (GRCh38, chr14:67,729,280, plus strand): 5'-CCAGGCGTCGTCCGCTCTGAGCTGGTCCGGCACTCCTCCCTGCTCTGCCTGCTCTGGCGG[C>T]TCTTCTCCCCCTTTGTCAAGACGGCACGGGAGGGGGCGCAGACCAGCCTGCACTGCGCCC-3'
Protein context (NP_689656.2, residues 240-260): HSSLLCLLWR[Leu250Phe]FSPFVKTARE

ClinVar aggregate classification (germline): Uncertain significance. Review status: criteria provided, multiple submitters, no conflicts (2 of 4 stars). 3 submissions from 3 submitters: Uncertain significance (2). 1 of the submissions does not count toward it. Last evaluated 2022-09-17.

Conditions:
Retinitis pigmentosa (RP). Identifiers: Orphanet 791, MedGen C0035334, MeSH D012174, MONDO:0019200, OMIM 268000. Inheritance: Autosomal dominant, autosomal recessive and X linked inheritance.
Leber congenital amaurosis 13 (LCA13). Identifiers: MedGen C2675186, MONDO:0012990, OMIM 612712.
Leber congenital amaurosis (LCA). Also called: Leber's amaurosis. Identifiers: Orphanet 65, MedGen C0339527, MeSH D057130, MONDO:0018998.

Allele frequency attached by ClinVar (database versions not stated): TOPMed below 0.00001; gnomAD 0.00001.
gnomAD v4.1: 23 of 1,605,624 alleles (0.0014%); highest among the groups gnomAD compares: Non-Finnish European, 0.0017%; no homozygotes.

Submissions (3):

Labcorp Genetics (formerly Invitae), Labcorp
Classification: Uncertain significance for Leber congenital amaurosis 13. Last evaluated: 2022-09-17. Review status: criteria provided, single submitter. Criteria: Invitae Variant Classification Sherloc (09022015). Collection method: clinical testing. Allele origin: germline.
Comment: This sequence change replaces leucine, which is neutral and non-polar, with phenylalanine, which is neutral and non-polar, at codon 250 of the RDH12 protein (p.Leu250Phe). This variant is present in population databases (no rsID available, gnomAD 0.003%). This variant has not been reported in the literature in individuals affected with RDH12-related conditions. ClinVar contains an entry for this variant (Variation ID: 313843). Advanced modeling of protein sequence and biophysical properties (such as structural, functional, and spatial information, amino acid conservation, physicochemical variation, residue mobility, and thermodynamic stability) performed at Invitae indicates that this missense variant is not expected to disrupt RDH12 protein function. In summary, the available evidence is currently insufficient to determine the role of this variant in disease. Therefore, it has been classified as a Variant of Uncertain Significance.

Illumina Laboratory Services, Illumina
Classification: Uncertain significance for Retinitis pigmentosa. Last evaluated: 2018-01-13. Review status: criteria provided, single submitter. Criteria: ICSL Variant Classification Criteria 13 December 2019. Collection method: clinical testing. Allele origin: germline.

Natera, Inc.
Classification: Uncertain significance for Leber congenital amaurosis. Last evaluated: 2019-11-11. Review status: no assertion criteria provided. Collection method: clinical testing. Allele origin: germline. Not counted in ClinVar's aggregate classification.